The following is an entry in ClinVar:

ClinVar aggregate classification (germline): Uncertain significance. Review status: criteria provided, multiple submitters, no conflicts (2 of 4 stars). 2 submissions from 2 submitters: Uncertain significance (2). Last evaluated 2024-03-26.

Conditions:
Cataract 12 multiple types. Identifiers: Orphanet 91492, MedGen C3808115, MONDO:0012701, OMIM 611597.

Allele frequency attached by ClinVar (database versions not stated): gnomAD exomes 0.00001; gnomAD 0.00004; TOPMed 0.00004.

Submissions (2):

Genomic Medicine Center of Excellence, King Faisal Specialist Hospital and Research Centre
Classification: Uncertain significance for Cataract 12 multiple types. Last evaluated: 2024-03-26. Review status: criteria provided, single submitter. Criteria: ACMG Guidelines, 2015. Collection method: clinical testing. Allele origin: germline.

Baylor Genetics
Classification: Uncertain significance for Cataract 12 multiple types. Last evaluated: 2018-05-14. Review status: criteria provided, single submitter. Criteria: ACMG Guidelines, 2015. Collection method: clinical testing. Allele origin: maternal. Affected: yes.
Comment: This variant was determined to be of uncertain significance according to ACMG Guidelines, 2015 [PMID:25741868]. BFSP2 mutations may not be fully penetrant and resulting phenotypes may not be consistent within a family [PMID 10729115]

Literature cited by the submitters: PubMed 10729115 (cited by Baylor Genetics).

NM_003571.4(BFSP2):c.13C>T (p.Arg5Ter)

Gene: BFSP2 (beaded filament structural protein 2; plus strand). Cytogenetic location: 3q22.1.
Variant type: single nucleotide variant.
Coding change: c.13C>T on transcript NM_003571.4 (MANE Select); coding-DNA position 13, C replaced by T.
Protein change: p.Arg5Ter; replaces arginine 5 with a stop codon.
Molecular consequence: nonsense.
Genome position (GRCh38, 1-based): chr3:133,400,096, C>T. VCF-style: chr3-133400096-C-T. GRCh37 (hg19) VCF-style: chr3-133118940-C-T.
Other names: short protein forms R5*.
Identifiers: ClinVar variation 1031336 (VCV001031336.2), dbSNP rs1224719314, ClinGen allele CA354583189.